The following is an entry in ClinVar:

NM_004618.5(TOP3A):c.1294C>T (p.Arg432Ter)

Gene: TOP3A (DNA topoisomerase III alpha; minus strand). Cytogenetic location: 17p11.2.
Variant type: single nucleotide variant.
Coding change: c.1294C>T on transcript NM_004618.5 (MANE Select); coding-DNA position 1294, C replaced by T.
Protein change: p.Arg432Ter; replaces arginine 432 with a stop codon.
Molecular consequence: nonsense.
Genome position (GRCh38, 1-based): chr17:18,291,015, G>A on the plus strand (C>T on the coding strand, the complement: TOP3A is on the minus strand). VCF-style: chr17-18291015-G-A. GRCh37 (hg19) VCF-style: chr17-18194329-G-A.
Other names: c.1009C>T, p.Arg337Ter (NM_001320759.2); short protein forms R432*, R337*.
Identifiers: ClinVar variation 2873635 (VCV002873635.3), dbSNP rs1432573544, ClinGen allele CA398632060.
Genomic context (GRCh38, chr17:18,291,015, plus strand): 5'-GCCCCTGAGCATCCTGGGAGCAGCAAGCCAGGAAATGGCGAACAATAAACTCGTACAGTC[G>A]CTGTTCATCTCCCTAGGAAGAAAAGAGGAGTACGAAACTCCCCCTAGAATATCACCTCTC-3'

ClinVar aggregate classification (germline): Pathogenic (1 of 4 stars; one submission).

Allele frequency attached by ClinVar (database versions not stated): gnomAD exomes below 0.00001.
gnomAD v4.1: 4 of 1,614,034 alleles (0.00025%); highest among the groups gnomAD compares: East Asian, 0.0022%; no homozygotes.

Submission:

Labcorp Genetics (formerly Invitae), Labcorp
Classification: Pathogenic. Last evaluated: 2022-12-17. Review status: criteria provided, single submitter. Criteria: Invitae Variant Classification Sherloc (09022015). Collection method: clinical testing. Allele origin: germline.
Comment: For these reasons, this variant has been classified as Pathogenic. This variant has not been reported in the literature in individuals affected with TOP3A-related conditions. This variant is present in population databases (no rsID available, gnomAD 0.006%). This sequence change creates a premature translational stop signal (p.Arg432*) in the TOP3A gene. It is expected to result in an absent or disrupted protein product. Loss-of-function variants in TOP3A are known to be pathogenic (PMID: 30057030).

Literature cited by the submitters: PubMed 30057030.